The following is an entry in ClinVar:

NM_000334.4(SCN4A):c.3656G>A (p.Arg1219His)

Genes: GH-LCR (growth hormone locus control region; plus strand), SCN4A (sodium voltage-gated channel alpha subunit 4; minus strand). Cytogenetic location: 17q23.3.
Variant type: single nucleotide variant.
Coding change: c.3656G>A on transcript NM_000334.4 (MANE Select); coding-DNA position 3656, G replaced by A.
Protein change: p.Arg1219His; replaces arginine 1219 with histidine.
Molecular consequence: missense variant.
Genome position (GRCh38, 1-based): chr17:63,945,424, C>T on the plus strand (G>A on the coding strand, the complement: SCN4A is on the minus strand). VCF-style: chr17-63945424-C-T. GRCh37 (hg19) VCF-style: chr17-62022784-C-T.
Other names: short protein forms R1219H.
Identifiers: ClinVar variation 2735010 (VCV002735010.4), dbSNP rs1199448030, ClinGen allele CA400617813.

ClinVar aggregate classification (germline): Uncertain significance. Review status: criteria provided, multiple submitters, no conflicts (2 of 4 stars). 2 submissions from 2 submitters: Uncertain significance (2). Last evaluated 2026-01-27.

Conditions:
Hyperkalemic periodic paralysis. Also called: Familial hyperkalemic periodic paralysis; Gamstorp disease. Identifiers: Orphanet 682, MedGen C0238357, MONDO:0008224, OMIM 170500, HP:0007215.

Allele frequency attached by ClinVar (database versions not stated): gnomAD 0.00001; gnomAD exomes 0.00001; TOPMed 0.00002.
gnomAD v4.1: 15 of 1,613,728 alleles (0.00093%); highest among the groups gnomAD compares: Admixed American, 0.0033%; no homozygotes.

Submissions (2):

GeneDx
Classification: Uncertain significance. Last evaluated: 2026-01-27. Review status: criteria provided, single submitter. Criteria: GeneDx Variant Classification Process June 2021. Collection method: clinical testing. Allele origin: germline.
Comment: Not observed at significant frequency in large population cohorts (gnomAD); In silico analysis supports that this missense variant has a deleterious effect on protein structure/function; Has not been previously published as pathogenic or benign to our knowledge

Labcorp Genetics (formerly Invitae), Labcorp
Classification: Uncertain significance for Hyperkalemic periodic paralysis. Last evaluated: 2023-03-08. Review status: criteria provided, single submitter. Criteria: Invitae Variant Classification Sherloc (09022015). Collection method: clinical testing. Allele origin: germline.
Comment: In summary, the available evidence is currently insufficient to determine the role of this variant in disease. Therefore, it has been classified as a Variant of Uncertain Significance. Advanced modeling of protein sequence and biophysical properties (such as structural, functional, and spatial information, amino acid conservation, physicochemical variation, residue mobility, and thermodynamic stability) has been performed at Invitae for this missense variant, however the output from this modeling did not meet the statistical confidence thresholds required to predict the impact of this variant on SCN4A protein function. This variant has not been reported in the literature in individuals affected with SCN4A-related conditions. This variant is present in population databases (no rsID available, gnomAD 0.003%). This sequence change replaces arginine, which is basic and polar, with histidine, which is basic and polar, at codon 1219 of the SCN4A protein (p.Arg1219His).